The following is an entry in ClinVar:

ClinVar aggregate classification (germline): Pathogenic/Likely pathogenic. Review status: criteria provided, multiple submitters, no conflicts (2 of 4 stars). 5 submissions from 5 submitters: Pathogenic (2); Likely pathogenic (3). Last evaluated 2024-10-30.

Conditions:
Hereditary nonpolyposis colorectal neoplasms. Identifiers: MedGen C0009405, MeSH D003123.
Hereditary cancer-predisposing syndrome. Also called: Tumor predisposition; Hereditary Cancer Syndrome; Hereditary neoplastic syndrome; Neoplastic Syndromes, Hereditary. Identifiers: Orphanet 140162, MedGen C0027672, MeSH D009386, MONDO:0015356.
Lynch syndrome 5 (LYNCH5). Also called: Hereditary non-polyposis colorectal cancer, type 5; Colorectal cancer, hereditary nonpolyposis, type 5. Identifiers: Orphanet 144, MedGen C1833477, MONDO:0013710, OMIM 614350. Disease mechanism: loss of function.
Familial cancer of breast. Also called: hereditary breast carcinoma; Hereditary breast cancer; BREAST CANCER, FAMILIAL. Identifiers: Orphanet 227535, MedGen C0346153, MONDO:0016419, OMIM 114480. Disease mechanism: loss of function.

Allele frequency attached by ClinVar (database versions not stated): gnomAD exomes below 0.00001.
gnomAD v4.1: 1 of 1,597,284 alleles (0.000063%); highest among the groups gnomAD compares: Non-Finnish European, 0.000086%; no homozygotes.

Submissions (5):

Ambry Genetics
Classification: Likely pathogenic for Hereditary cancer-predisposing syndrome. Last evaluated: 2024-10-30. Review status: criteria provided, single submitter. Criteria: Ambry Variant Classification Scheme 2023. Collection method: clinical testing. Allele origin: germline.
Comment: The c.3646+1G>A intronic variant results from a G to A substitution one nucleotide after coding exon 7 of the MSH6 gene. Alterations that disrupt the canonical splice site are expected to result in aberrant splicing. In silico splice site analysis predicts that this alteration will weaken the native splice donor site. The resulting transcript is predicted to be in-frame and is not expected to trigger nonsense-mediated mRNAdecay. RNA studies have demonstrated that this alteration results in abnormal splicing in the set of samples tested (Ambry internal data). The exact functional effect of the altered amino acid sequence is unknown; however, the impacted region is critical for protein function (Ambry internal data). This variant is considered to be rare based on population cohorts in the Genome Aggregation Database (gnomAD).This nucleotide position is highly conserved in available vertebrate species. Based on the majority of available evidence to date, this variant is likely to be pathogenic.

Myriad Genetics, Inc.
Classification: Likely pathogenic for Lynch syndrome 5. Last evaluated: 2023-08-24. Review status: criteria provided, single submitter. Criteria: Myriad Autosomal Dominant, Autosomal Recessive and X-Linked Classification Criteria (2023). Collection method: clinical testing. Allele origin: unknown.
Comment: This variant is considered likely pathogenic. This variant occurs within a consensus splice junction and is predicted to result in abnormal mRNA splicing of either an out-of-frame exon or an in-frame exon necessary for protein stability and/or normal function.

Labcorp Genetics (formerly Invitae), Labcorp
Classification: Likely pathogenic for Hereditary nonpolyposis colorectal neoplasms. Last evaluated: 2022-05-26. Review status: criteria provided, single submitter. Criteria: Invitae Variant Classification Sherloc (09022015). Collection method: clinical testing. Allele origin: germline.
Comment: In summary, the currently available evidence indicates that the variant is pathogenic, but additional data are needed to prove that conclusively. Therefore, this variant has been classified as Likely Pathogenic. Algorithms developed to predict the effect of sequence changes on RNA splicing suggest that this variant may disrupt the consensus splice site. This variant has not been reported in the literature in individuals affected with MSH6-related conditions. This variant is not present in population databases (gnomAD no frequency). This sequence change affects a donor splice site in intron 7 of the MSH6 gene. It is expected to disrupt RNA splicing. Variants that disrupt the donor or acceptor splice site typically lead to a loss of protein function (PMID: 16199547), and loss-of-function variants in MSH6 are known to be pathogenic (PMID: 18269114, 24362816).

Department of Pathology and Laboratory Medicine, Sinai Health System
Classification: Pathogenic for hereditary breast carcinoma. Last evaluated: 2021-09-27. Review status: criteria provided, single submitter. Criteria: ACMG Guidelines, 2015. Collection method: clinical testing. Allele origin: germline. Affected: no.

Human Genetics Unit, University Of Colombo
Classification: Pathogenic for Lynch syndrome 5. Last evaluated: 2020-06-20. Review status: criteria provided, single submitter. Criteria: ACMG Guidelines, 2015. Collection method: research. Allele origin: germline. Inheritance: Autosomal dominant inheritance. Affected: yes.
Comment: It was not found in the local exome database at HGU nor in global population frequency databases. This variant is classified as Pathogenic (Ic) with the evidences: PVS1, PM2, PP3 according to ACMG-AMP criteria.

Literature cited by the submitters: PubMed 16199547 (cited by Labcorp Genetics (formerly Invitae), Labcorp); PubMed 18269114 (cited by Labcorp Genetics (formerly Invitae), Labcorp); PubMed 24362816 (cited by Labcorp Genetics (formerly Invitae), Labcorp).

NM_000179.3(MSH6):c.3646+1G>A

Gene: MSH6 (mutS homolog 6; plus strand). Cytogenetic location: 2p16.3.
Variant type: single nucleotide variant.
Coding change: c.3646+1G>A on transcript NM_000179.3 (MANE Select); the canonical splice donor site of the intron after coding-DNA position 3646, G replaced by A.
Molecular consequence: splice donor variant.
Genome position (GRCh38, 1-based): chr2:47,805,708, G>A. VCF-style: chr2-47805708-G-A. GRCh37 (hg19) VCF-style: chr2-48032847-G-A.
Other names: c.3646+1G>A (NM_001406809.1, NM_001406796.1, NM_001406808.1 and 2 more transcripts); c.2740+1G>A (NM_001406811.1, NM_001406814.1, NM_001281493.2 and 6 more transcripts); c.3349+1G>A (NM_001406805.1, NM_001406797.1, NM_001406801.1 and 10 more transcripts); c.3742+1G>A (NM_001406795.1, NM_001406802.1); c.3652+1G>A (NM_001406813.1); c.3121+1G>A (NM_001406807.1, NM_001406799.1, NM_001406806.1); c.3472+1G>A (NM_001406798.1); c.2782+1G>A (NM_001406803.1); and 7 more.
Identifiers: ClinVar variation 1478459 (VCV001478459.14), dbSNP rs1553332772, ClinGen allele CA346760638.